The following is an entry in ClinVar:

NM_024656.4(COLGALT1):c.829+1G>T

Gene: COLGALT1 (collagen beta(1-O)galactosyltransferase 1; plus strand). Cytogenetic location: 19p13.11.
Variant type: single nucleotide variant.
Coding change: c.829+1G>T on transcript NM_024656.4 (MANE Select); the canonical splice donor site of the intron after coding-DNA position 829, G replaced by T.
Molecular consequence: splice donor variant.
Genome position (GRCh38, 1-based): chr19:17,568,714, G>T. VCF-style: chr19-17568714-G-T. GRCh37 (hg19) VCF-style: chr19-17679523-G-T.
Other names: NC_000019.9:g.17679523G>T.
Identifiers: ClinVar variation 3253573 (VCV003253573.3), dbSNP rs1185942261.
Genomic context (GRCh38, chr19:17,568,714, plus strand): 5'-CTGACTACACCTGGTCCTTTGACGACATCATCGTCTTTGCCTTCTCCTGCAAGCAGGCAG[G>T]TACGTACATGAGGGGTCTGCCATCGCAGGGGCATCTGCCTGGTTCTTTGGGTTTTGCACT-3'

ClinVar aggregate classification (germline): Uncertain significance (1 of 4 stars; one submission).

gnomAD v4.1: 19 of 1,614,030 alleles (0.0012%); highest among the groups gnomAD compares: African/African-American, 0.004%; no homozygotes.

Submissions (2):

GeneDx
Classification: Uncertain significance. Last evaluated: 2026-04-22. Review status: criteria provided, single submitter. Criteria: GeneDx Variant Classification Process June 2021. Collection method: clinical testing. Allele origin: germline.
Comment: Not observed at significant frequency in large population cohorts (gnomAD); Canonical splice site variant in a gene or region of a gene for which loss of function is not a well-established mechanism of disease; Has not been previously published as pathogenic or benign to our knowledge

Dr. Peter K. Rogan Lab, Western University
No classification provided (evidence only). Condition: Clear cell carcinoma of kidney. Review status: no classification provided. Collection method: in vitro. Allele origin: not applicable. Functional consequence: retained intron. Not counted in ClinVar's aggregate classification.